The following is an entry in ClinVar:

ClinVar aggregate classification (germline): Uncertain significance. Review status: criteria provided, multiple submitters, no conflicts (2 of 4 stars). 2 submissions from 2 submitters: Uncertain significance (2). Last evaluated 2024-02-12.

Conditions:
Inborn genetic diseases. Identifiers: MedGen C0950123, MeSH D030342.

Allele frequency attached by ClinVar (database versions not stated): ExAC 0.00001; gnomAD exomes 0.00001; gnomAD 0.00002; TOPMed 0.00002.
gnomAD v4.1: 18 of 1,613,910 alleles (0.0011%); highest among the groups gnomAD compares: Middle Eastern, 0.016%; no homozygotes.

Submissions (2):

Ambry Genetics
Classification: Uncertain significance for Inborn genetic diseases. Last evaluated: 2024-02-12. Review status: criteria provided, single submitter. Criteria: Ambry Variant Classification Scheme 2023. Collection method: clinical testing. Allele origin: germline.

Labcorp Genetics (formerly Invitae), Labcorp
Classification: Uncertain significance. Last evaluated: 2023-11-06. Review status: criteria provided, single submitter. Criteria: Invitae Variant Classification Sherloc (09022015). Collection method: clinical testing. Allele origin: germline.
Comment: This sequence change replaces lysine, which is basic and polar, with glutamic acid, which is acidic and polar, at codon 290 of the ADK protein (p.Lys290Glu). This variant is present in population databases (rs760279818, gnomAD 0.003%). This variant has not been reported in the literature in individuals affected with ADK-related conditions. Algorithms developed to predict the effect of missense changes on protein structure and function output the following: SIFT: "Not Available"; PolyPhen-2: "Benign"; Align-GVGD: "Not Available". The glutamic acid amino acid residue is found in multiple mammalian species, which suggests that this missense change does not adversely affect protein function. In summary, the available evidence is currently insufficient to determine the role of this variant in disease. Therefore, it has been classified as a Variant of Uncertain Significance.

NM_006721.4(ADK):c.919A>G (p.Lys307Glu)

Gene: ADK (adenosine kinase; plus strand). Cytogenetic location: 10q22.2.
Variant type: single nucleotide variant.
Coding change: c.919A>G on transcript NM_006721.4 (MANE Select); coding-DNA position 919, A replaced by G.
Protein change: p.Lys307Glu; replaces lysine 307 with glutamic acid.
Molecular consequence: missense variant. On other transcripts: synonymous variant (1).
Genome position (GRCh38, 1-based): chr10:74,670,224, A>G. VCF-style: chr10-74670224-A-G. GRCh37 (hg19) VCF-style: chr10-76429982-A-G.
Other names: c.868A>G, p.Lys290Glu (NM_001123.4); c.814A>G, p.Lys272Glu (NM_001202449.2); c.748A>G, p.Lys250Glu (NM_001202450.2); c.804A>G, p.Arg268= (NM_001369123.1); c.697A>G, p.Lys233Glu (NM_001369124.1); c.919A>G (NM_006721.3); short protein forms K272E, K290E, K250E, K233E, K307E.
Identifiers: ClinVar variation 2727776 (VCV002727776.2), dbSNP rs760279818, ClinGen allele CA5564108.